The following is an entry in ClinVar:

NM_004606.5(TAF1):c.1666-8A>G

Gene: TAF1 (TATA-box binding protein associated factor 1; plus strand). Cytogenetic location: Xq13.1.
Variant type: single nucleotide variant.
Coding change: c.1666-8A>G on transcript NM_004606.5 (MANE Select); 8 bases into the intron before coding-DNA position 1666, A replaced by G.
Molecular consequence: intron variant.
Genome position (GRCh38, 1-based): chrX:71,382,753, A>G. VCF-style: chrX-71382753-A-G. GRCh37 (hg19) VCF-style: chrX-70602603-A-G.
Other names: c.1666-8A>G (NM_001286074.2); c.1603-8A>G (NM_138923.4).
Identifiers: ClinVar variation 696504 (VCV000696504.32), dbSNP rs374932400, ClinGen allele CA10446753.

ClinVar aggregate classification (germline): Likely benign. Review status: criteria provided, multiple submitters, no conflicts (2 of 4 stars). 3 submissions from 3 submitters: Likely benign (3). Last evaluated 2025-03-03.

Allele frequency attached by ClinVar (database versions not stated): TOPMed 0.00002; gnomAD 0.00003 and 0.00005; gnomAD exomes 0.00003 and 0.00007; ExAC 0.00007; 1000 Genomes Project 30x 0.00042; 1000 Genomes Project 0.00053.
gnomAD v4.1: 52 of 1,205,218 alleles (0.0043%); highest among the groups gnomAD compares: South Asian, 0.029%; no homozygotes.

Submissions (3):

Labcorp Genetics (formerly Invitae), Labcorp
Classification: Likely benign. Last evaluated: 2025-03-03. Review status: criteria provided, single submitter. Criteria: Invitae Variant Classification Sherloc (09022015). Collection method: clinical testing. Allele origin: germline.

Blueprint Genetics
Classification: Likely benign. Last evaluated: 2024-03-21. Review status: criteria provided, single submitter. Criteria: ACMG Guidelines, 2015. Collection method: clinical testing. Allele origin: germline.

CeGaT Center for Human Genetics Tuebingen
Classification: Likely benign. Last evaluated: 2022-11-01. Review status: criteria provided, single submitter. Criteria: CeGaT Center For Human Genetics Tuebingen Variant Classification Criteria Version 2. Collection method: clinical testing. Allele origin: germline. Affected: yes. Observed: 1 variant allele.
Comment: TAF1: BP4, BS2